The following is an entry in ClinVar:

NM_000552.5(VWF):c.6599-5_6610del

Gene: VWF (von Willebrand factor; minus strand). Cytogenetic location: 12p13.31.
Variant type: Deletion.
Coding change: c.6599-5_6610del on transcript NM_000552.5 (MANE Select); 5 bases into the intron before coding-DNA position 6599 through coding-DNA position 6610, 17 bases deleted (TACAGCTATGTCATGCC).
Molecular consequence: splice acceptor variant.
Genome position (GRCh38, 1-based): chr12:5,992,007-5,992,023, GGCATGACATAGCTGTA deleted on the plus strand (TACAGCTATGTCATGCC on the coding strand, the reverse complement: VWF is on the minus strand); deleting any 17 consecutive bases within chr12:5,992,007-5,992,024 gives the same sequence; the c. name uses the placement nearest the transcript's 3' end. VCF-style (leftmost placement, unchanged base first): chr12-5992006-GGGCATGACATAGCTGTA-G. GRCh37 (hg19) VCF-style: chr12-6101172-GGGCATGACATAGCTGTA-G.
Identifiers: ClinVar variation 1705502 (VCV001705502.1), dbSNP rs2497449184, ClinGen allele CA2580086227.

ClinVar aggregate classification (germline): Pathogenic (1 of 4 stars; one submission).

Conditions:
von Willebrand disease type 3 (VWD3). Also called: Type 3 Von Willebrand's disease; Type 3 VWD; Von Willebrand disease, severe form; V WD3; VON WILLEBRAND DISEASE, TYPE III. Identifiers: Orphanet 166096, MedGen C1264041, MONDO:0010191, OMIM 277480.

Submission:

3billion
Classification: Pathogenic for von Willebrand disease type 3. Last evaluated: 2022-09-01. Review status: criteria provided, single submitter. Criteria: ACMG Guidelines, 2015. Collection method: clinical testing. Allele origin: germline. Affected: yes. Observed: 1 homozygote.
Comment: The variant is not observed in the gnomAD v2.1.1 dataset. Canonical splice site is predicted to alter splicing and result in a loss or disruption of normal protein function. Multiple pathogenic loss-of-function variants are reported downstream of the variant. Therefore, this variant is classified as Pathogenic according to the recommendation of ACMG/AMP guideline.